The following is an entry in ClinVar:

ClinVar aggregate classification (germline): Uncertain significance (1 of 4 stars; one submission).

Submission:

Dasa
Classification: Uncertain significance. Last evaluated: 2025-07-20. Review status: criteria provided, single submitter. Criteria: DASA Assertion Criteria. Collection method: clinical testing. Allele origin: germline.
Comment: NM_014363.6(SACS):c.912C>G (p.Asp304Glu) is a missense variant that results in the substitution of aspartic acid with glutamic acid. This variant is absent from population databases. The currently available literature and clinical evidence are not sufficient to establish a definitive association between this variant and the reported condition. Therefore, this variant is classified as a variant of uncertain significance.

NM_014363.6(SACS):c.912C>G (p.Asp304Glu)

Gene: SACS (sacsin molecular chaperone; minus strand). Cytogenetic location: 13q12.12.
Variant type: single nucleotide variant.
Coding change: c.912C>G on transcript NM_014363.6 (MANE Select); coding-DNA position 912, C replaced by G.
Protein change: p.Asp304Glu; replaces aspartic acid 304 with glutamic acid.
Molecular consequence: missense variant.
Genome position (GRCh38, 1-based): chr13:23,355,700, G>C on the plus strand (C>G on the coding strand, the complement: SACS is on the minus strand). VCF-style: chr13-23355700-G-C. GRCh37 (hg19) VCF-style: chr13-23929839-G-C.
Other names: c.471C>G, p.Asp157Glu (NM_001278055.2); c.912C>G, p.Asp304Glu (NM_001437336.1); short protein forms D157E, D304E.
Identifiers: ClinVar variation 4882906 (VCV004882906.2).